The following is an entry in ClinVar:

ClinVar aggregate classification (germline): Uncertain significance (1 of 4 stars; one submission).

Conditions:
LPIN1-related disorder. Also called: LPIN1-related condition.

Allele frequency attached by ClinVar (database versions not stated): ExAC 0.00001.

Submission:

PreventionGenetics, part of Exact Sciences
Classification: Uncertain significance for LPIN1-related condition. Last evaluated: 2023-03-16. Review status: criteria provided, single submitter. Criteria: ACMG Guidelines, 2015. Collection method: clinical testing. Allele origin: germline.
Comment: The LPIN1 c.876G>T variant is predicted to result in the amino acid substitution p.Glu292Asp. To our knowledge, this variant has not been reported in the literature. This variant is reported in 0.0054% of alleles in individuals of East Asian descent in gnomAD. At this time, the clinical significance of this variant is uncertain due to the absence of conclusive functional and genetic evidence.

NM_001349206.2(LPIN1):c.984G>T (p.Glu328Asp)

Gene: LPIN1 (lipin 1; plus strand). Cytogenetic location: 2p25.1.
Variant type: single nucleotide variant.
Coding change: c.984G>T on transcript NM_001349206.2 (MANE Select); coding-DNA position 984, G replaced by T.
Protein change: p.Glu328Asp; replaces glutamic acid 328 with aspartic acid.
Molecular consequence: missense variant. On other transcripts: non-coding transcript variant (1).
Genome position (GRCh38, 1-based): chr2:11,782,227, G>T. VCF-style: chr2-11782227-G-T. GRCh37 (hg19) VCF-style: chr2-11922353-G-T.
Other names: c.894G>T, p.Glu298Asp (NM_001261427.3); c.1131G>T, p.Glu377Asp (NM_001261428.3); c.876G>T, p.Glu292Asp (NM_001349199.2, NM_001349200.2, NM_001349201.2 and 1 more transcripts); c.981G>T, p.Glu327Asp (NM_001349202.2, NM_001349203.2); c.984G>T, p.Glu328Asp (NM_001349204.2, NM_001349205.2); c.1074G>T, p.Glu358Asp (NM_001349207.2); c.1023G>T, p.Glu341Asp (NM_001349208.2); short protein forms E292D, E298D, E327D, E328D, E341D, E358D, E377D.
Identifiers: ClinVar variation 2633429 (VCV002633429.1), dbSNP rs747039849, ClinGen allele CA1533575.